The following is an entry in ClinVar:

NM_004655.4(AXIN2):c.766A>G (p.Arg256Gly)

Gene: AXIN2 (axin 2; minus strand). Cytogenetic location: 17q24.1.
Variant type: single nucleotide variant.
Coding change: c.766A>G on transcript NM_004655.4 (MANE Select); coding-DNA position 766, A replaced by G.
Protein change: p.Arg256Gly; replaces arginine 256 with glycine.
Molecular consequence: missense variant.
Genome position (GRCh38, 1-based): chr17:65,557,855, T>C on the plus strand (A>G on the coding strand, the complement: AXIN2 is on the minus strand). VCF-style: chr17-65557855-T-C. GRCh37 (hg19) VCF-style: chr17-63553973-T-C.
Other names: c.766A>G, p.Arg256Gly (NM_001363813.1); short protein forms R256G.
Identifiers: ClinVar variation 1760053 (VCV001760053.5), dbSNP rs2544247336, ClinGen allele CA400680321.

ClinVar aggregate classification (germline): Uncertain significance. Review status: criteria provided, multiple submitters, no conflicts (2 of 4 stars). 3 submissions from 3 submitters: Uncertain significance (3). Last evaluated 2026-02-03.

Conditions:
Colorectal cancer. Also called: Colorectal cancer, somatic; Malignant Colorectal Neoplasm. Identifiers: MedGen C0346629, MONDO:0005575, OMIM 114500.
Hereditary cancer-predisposing syndrome. Also called: Neoplastic Syndromes, Hereditary; Tumor predisposition; Hereditary Cancer Syndrome; Hereditary neoplastic syndrome. Identifiers: Orphanet 140162, MedGen C0027672, MeSH D009386, MONDO:0015356.
Oligodontia-cancer predisposition syndrome. Also called: TOOTH AGENESIS-COLORECTAL CANCER SYNDROME. Identifiers: Orphanet 300576, MedGen C1837750, MONDO:0012075, OMIM 608615. Disease mechanism: loss of function.

Submissions (3):

Labcorp Genetics (formerly Invitae), Labcorp
Classification: Uncertain significance for Oligodontia-cancer predisposition syndrome. Last evaluated: 2026-02-03. Review status: criteria provided, single submitter. Criteria: Invitae Variant Classification Sherloc (09022015). Collection method: clinical testing. Allele origin: germline.
Comment: This sequence change replaces arginine, which is basic and polar, with glycine, which is neutral and non-polar, at codon 256 of the AXIN2 protein (p.Arg256Gly). This variant is not present in population databases (gnomAD no frequency). This variant has not been reported in the literature in individuals affected with AXIN2-related conditions. ClinVar contains an entry for this variant (Variation ID: 1760053). Invitae Evidence Modeling of protein sequence and biophysical properties (such as structural, functional, and spatial information, amino acid conservation, physicochemical variation, residue mobility, and thermodynamic stability) indicates that this missense variant is expected to disrupt AXIN2 protein function with a positive predictive value of 80%. In summary, the available evidence is currently insufficient to determine the role of this variant in disease. Therefore, it has been classified as a Variant of Uncertain Significance.

Ambry Genetics
Classification: Uncertain significance for Hereditary cancer-predisposing syndrome. Last evaluated: 2025-08-15. Review status: criteria provided, single submitter. Criteria: Ambry Variant Classification Scheme 2023. Collection method: clinical testing. Allele origin: germline.
Comment: The p.R256G variant (also known as c.766A>G), located in coding exon 1 of the AXIN2 gene, results from an A to G substitution at nucleotide position 766. The arginine at codon 256 is replaced by glycine, an amino acid with dissimilar properties. This amino acid position is conserved. In addition, this alteration is predicted to be tolerated by in silico analysis. Since supporting evidence is limited at this time, the clinical significance of this alteration remains unclear.

Baylor Genetics
Classification: Uncertain significance for Colorectal cancer. Last evaluated: 2023-08-09. Review status: criteria provided, single submitter. Criteria: ACMG Guidelines, 2015. Collection method: clinical testing. Allele origin: unknown.